The following is an entry in ClinVar:

ClinVar aggregate classification (germline): Benign (1 of 4 stars; one submission).

Allele frequency attached by ClinVar (database versions not stated): gnomAD 0.93560 and 0.94009; 1000 Genomes Project 0.93650; TOPMed 0.93231; 1000 Genomes Project 30x 0.93473.

Submission:

GeneDx
Classification: Benign. Last evaluated: 2018-06-14. Review status: criteria provided, single submitter. Criteria: GeneDx Variant Classification (06012015). Collection method: clinical testing. Allele origin: germline. Affected: yes.
Comment: This variant is considered likely benign or benign based on one or more of the following criteria: it is a conservative change, it occurs at a poorly conserved position in the protein, it is predicted to be benign by multiple in silico algorithms, and/or has population frequency not consistent with disease.

NM_001358921.2(COQ2):c.951+217C>T

Gene: COQ2 (coenzyme Q2, polyprenyltransferase; minus strand). Cytogenetic location: 4q21.23.
Variant type: single nucleotide variant.
Coding change: c.951+217C>T on transcript NM_001358921.2 (MANE Select); 217 bases into the intron after coding-DNA position 951, C replaced by T.
Molecular consequence: intron variant.
Genome position (GRCh38, 1-based): chr4:83,267,369, G>A on the plus strand (C>T on the coding strand, the complement: COQ2 is on the minus strand). VCF-style: chr4-83267369-G-A. GRCh37 (hg19) VCF-style: chr4-84188522-G-A.
Other names: c.1101+217C>T (NM_015697.9).
Identifiers: ClinVar variation 683558 (VCV000683558.1), dbSNP rs6855094, ClinGen allele CA100651793.